The following is an entry in ClinVar:

ClinVar aggregate classification (germline): Uncertain significance (1 of 4 stars; one submission).

Conditions:
Hereditary sensory and autonomic neuropathy type 6. Also called: HSAN VI; Neuropathy, hereditary sensory and autonomic, type VI. Identifiers: Orphanet 314381, MedGen C3539003, MONDO:0013839, OMIM 614653.
Epidermolysis bullosa simplex 3, localized or generalized intermediate, with BP230 deficiency (EBS3). Also called: Epidermolysis bullosa simplex due to BP230 deficiency; Epidermolysis bullosa simplex, autosomal recessive 2. Identifiers: Orphanet 412181, MedGen C3809470, MONDO:0014180, OMIM 615425.

gnomAD v4.1: 20 of 1,613,958 alleles (0.0012%); highest among the groups gnomAD compares: Admixed American, 0.032%; no homozygotes.

Submission:

Labcorp Genetics (formerly Invitae), Labcorp
Classification: Uncertain significance for Epidermolysis bullosa simplex 3, localized or generalized intermediate, with BP230 deficiency; Hereditary sensory and autonomic neuropathy type 6. Last evaluated: 2021-11-06. Review status: criteria provided, single submitter. Criteria: Invitae Variant Classification Sherloc (09022015). Collection method: clinical testing. Allele origin: germline.
Comment: This sequence change replaces arginine, which is basic and polar, with proline, which is neutral and non-polar, at codon 22 of the DST protein (p.Arg22Pro). This variant is present in population databases (rs749722200, gnomAD 0.05%). This variant has not been reported in the literature in individuals affected with DST-related conditions. Algorithms developed to predict the effect of missense changes on protein structure and function are either unavailable or do not agree on the potential impact of this missense change (SIFT: "Tolerated"; PolyPhen-2: "Possibly Damaging"; Align-GVGD: "Class C0"). In summary, the available evidence is currently insufficient to determine the role of this variant in disease. Therefore, it has been classified as a Variant of Uncertain Significance.

NM_001723.7(DST):c.65G>C (p.Arg22Pro)

Gene: DST (dystonin; minus strand). Cytogenetic location: 6p12.1.
Variant type: single nucleotide variant.
Coding change: c.65G>C on transcript NM_001723.7 (MANE Plus Clinical); coding-DNA position 65, G replaced by C.
Protein change: p.Arg22Pro; replaces arginine 22 with proline.
Molecular consequence: missense variant. On other transcripts: intron variant (9).
Genome position (GRCh38, 1-based): chr6:56,642,724, C>G on the plus strand (G>C on the coding strand, the complement: DST is on the minus strand). VCF-style: chr6-56642724-C-G. GRCh37 (hg19) VCF-style: chr6-56507522-C-G.
Other names: c.65G>C, p.Arg22Pro (NM_015548.5); c.1680-221G>C (NM_001144769.5); c.1779-221G>C (NM_001374722.1, NM_001374736.1); c.1806-221G>C (NM_001374734.1); c.1266-221G>C (NM_001144770.2); c.1146-221G>C (NM_001374730.1, NM_001386100.1, NM_183380.4 and 1 more transcripts); short protein forms R22P.
Identifiers: ClinVar variation 1525199 (VCV001525199.3), dbSNP rs749722200, ClinGen allele CA3871598.